The following is an entry in ClinVar:

ClinVar aggregate classification (germline): Uncertain significance (1 of 4 stars; one submission).

Allele frequency attached by ClinVar (database versions not stated): TOPMed below 0.00001; gnomAD 0.00001.

Submission:

Labcorp Genetics (formerly Invitae), Labcorp
Classification: Uncertain significance. Last evaluated: 2024-02-26. Review status: criteria provided, single submitter. Criteria: Invitae Variant Classification Sherloc (09022015). Collection method: clinical testing. Allele origin: germline.
Comment: This sequence change replaces alanine, which is neutral and non-polar, with serine, which is neutral and polar, at codon 128 of the MNX1 protein (p.Ala128Ser). The frequency data for this variant in the population databases is considered unreliable, as metrics indicate insufficient coverage at this position in the gnomAD database. This variant has not been reported in the literature in individuals affected with MNX1-related conditions. ClinVar contains an entry for this variant (Variation ID: 1423432). Advanced modeling of protein sequence and biophysical properties (such as structural, functional, and spatial information, amino acid conservation, physicochemical variation, residue mobility, and thermodynamic stability) performed at Invitae indicates that this missense variant is not expected to disrupt MNX1 protein function with a negative predictive value of 80%. In summary, the available evidence is currently insufficient to determine the role of this variant in disease. Therefore, it has been classified as a Variant of Uncertain Significance.

NM_005515.4(MNX1):c.382G>T (p.Ala128Ser)

Gene: MNX1 (motor neuron and pancreas homeobox 1; minus strand). Cytogenetic location: 7q36.3.
Variant type: single nucleotide variant.
Coding change: c.382G>T on transcript NM_005515.4 (MANE Select); coding-DNA position 382, G replaced by T.
Protein change: p.Ala128Ser; replaces alanine 128 with serine.
Molecular consequence: missense variant.
Genome position (GRCh38, 1-based): chr7:157,009,969, C>A on the plus strand (G>T on the coding strand, the complement: MNX1 is on the minus strand). VCF-style: chr7-157009969-C-A. GRCh37 (hg19) VCF-style: chr7-156802663-C-A.
Other names: short protein forms A128S.
Identifiers: ClinVar variation 1423432 (VCV001423432.6), dbSNP rs1805680874, ClinGen allele CA370164667.